The following is an entry in ClinVar:

ClinVar aggregate classification (germline): Uncertain significance (1 of 4 stars; one submission).

Allele frequency attached by ClinVar (database versions not stated): gnomAD 0.00001; TOPMed 0.00001; gnomAD exomes 0.00002.
gnomAD v4.1: 23 of 1,367,126 alleles (0.0017%); highest among the groups gnomAD compares: Non-Finnish European, 0.0021%; no homozygotes.

Submission:

Labcorp Genetics (formerly Invitae), Labcorp
Classification: Uncertain significance. Last evaluated: 2022-08-30. Review status: criteria provided, single submitter. Criteria: Invitae Variant Classification Sherloc (09022015). Collection method: clinical testing. Allele origin: germline.
Comment: In summary, the available evidence is currently insufficient to determine the role of this variant in disease. Therefore, it has been classified as a Variant of Uncertain Significance. Algorithms developed to predict the effect of missense changes on protein structure and function are either unavailable or do not agree on the potential impact of this missense change (SIFT: "Tolerated"; PolyPhen-2: "Not Available"; Align-GVGD: "Class C0"). This variant has not been reported in the literature in individuals affected with ERCC6L2-related conditions. This variant is present in population databases (no rsID available, gnomAD 0.0009%). This sequence change replaces arginine, which is basic and polar, with lysine, which is basic and polar, at codon 1318 of the ERCC6L2 protein (p.Arg1318Lys).

NM_020207.7(ERCC6L2):c.3920G>A (p.Arg1307Lys)

Gene: ERCC6L2 (ERCC excision repair 6 like 2; plus strand). Cytogenetic location: 9q22.32.
Variant type: single nucleotide variant.
Coding change: c.3920G>A on transcript NM_020207.7 (MANE Select); coding-DNA position 3920, G replaced by A.
Protein change: p.Arg1307Lys; replaces arginine 1307 with lysine.
Molecular consequence: missense variant. On other transcripts: non-coding transcript variant (1), intron variant (2).
Genome position (GRCh38, 1-based): chr9:96,012,470, G>A. VCF-style: chr9-96012470-G-A. GRCh37 (hg19) VCF-style: chr9-98774752-G-A.
Other names: c.3674+7769G>A (NM_001375291.1, NM_001375292.1); short protein forms R1307K.
Identifiers: ClinVar variation 1930847 (VCV001930847.3), dbSNP rs1276103533, ClinGen allele CA466121231.